The following is an entry in ClinVar:

ClinVar aggregate classification (germline): Likely benign. Review status: criteria provided, multiple submitters, no conflicts (2 of 4 stars). 3 submissions from 3 submitters: Likely benign (3). Last evaluated 2024-07-06.

Conditions:
Tuberous sclerosis syndrome (TSC). Also called: Tuberous Sclerosis Complex; Tuberous sclerosis. Identifiers: Orphanet 805, MedGen C0041341, MONDO:0001734.
Tuberous sclerosis 2 (TSC2). Identifiers: Orphanet 805, MedGen C1860707, MONDO:0013199, OMIM 613254.
Hereditary cancer-predisposing syndrome. Also called: Hereditary neoplastic syndrome; Neoplastic Syndromes, Hereditary; Tumor predisposition; Hereditary Cancer Syndrome. Identifiers: Orphanet 140162, MedGen C0027672, MeSH D009386, MONDO:0015356.

gnomAD v4.1: 7 of 1,614,190 alleles (0.00043%); highest among the groups gnomAD compares: Non-Finnish European, 0.00059%; no homozygotes.

Submissions (3):

Labcorp Genetics (formerly Invitae), Labcorp
Classification: Likely benign for Tuberous sclerosis 2. Last evaluated: 2024-07-06. Review status: criteria provided, single submitter. Criteria: Invitae Variant Classification Sherloc (09022015). Collection method: clinical testing. Allele origin: germline.

All of Us Research Program, National Institutes of Health
Classification: Likely benign for Tuberous sclerosis syndrome. Last evaluated: 2023-06-26. Review status: criteria provided, single submitter. Criteria: ACMG Guidelines, 2015. Collection method: clinical testing. Allele origin: germline. Inheritance: Autosomal dominant inheritance. Observed: 2 variant alleles, 2 heterozygotes.
Comment: This study involves interpretation of variants in research participants for the purpose of population health screening. Participant phenotype was not available at the time of variant classification. Additional details can be found in publication PMID: 35346344, PMCID: PMC8962531

Ambry Genetics
Classification: Likely benign for Hereditary cancer-predisposing syndrome. Last evaluated: 2020-02-14. Review status: criteria provided, single submitter. Criteria: Ambry Variant Classification Scheme 2023. Collection method: clinical testing. Allele origin: germline.

NM_000548.5(TSC2):c.372T>C (p.Phe124=)

Gene: TSC2 (TSC complex subunit 2; plus strand). Cytogenetic location: 16p13.3.
Variant type: single nucleotide variant.
Coding change: c.372T>C on transcript NM_000548.5 (MANE Select); coding-DNA position 372, T replaced by C.
Protein change: p.Phe124=; no amino-acid change (phenylalanine 124 retained).
Molecular consequence: synonymous variant. On other transcripts: intron variant (1).
Genome position (GRCh38, 1-based): chr16:2,054,331, T>C. VCF-style: chr16-2054331-T-C. GRCh37 (hg19) VCF-style: chr16-2104332-T-C.
Other names: c.372T>C, p.Phe124= (NM_001077183.3, NM_001114382.3, NM_001363528.2 and 3 more transcripts); c.261T>C, p.Phe87= (NM_001318827.2); c.225T>C, p.Phe75= (NM_001318829.2); c.405T>C, p.Phe135= (NM_001318832.2); c.-1-1865T>C (NM_001318831.2).
Identifiers: ClinVar variation 733797 (VCV000733797.14), dbSNP rs753922923, ClinGen allele CA492955363.
Genomic context (GRCh38, chr16:2,054,331, plus strand): 5'-CTGATCCTGTGGCTTTTGTCTTTAGGGCGAGCGTTTGGGGGTCCTCAGAGCCCTCTTCTT[T>C]AAGGTCATCAAGGATTACCCTTCCAACGAAGACCTTCACGAAAGGCTGGAGGTTTTCAAG-3'
Protein context (NP_000539.2, residues 114-134): ERLGVLRALF[Phe124=]KVIKDYPSNE